The following is an entry in ClinVar:

ClinVar aggregate classification (germline): Uncertain significance (1 of 4 stars; one submission).

Submission:

GeneDx
Classification: Uncertain significance. Last evaluated: 2023-09-01. Review status: criteria provided, single submitter. Criteria: GeneDx Variant Classification Process June 2021. Collection method: clinical testing. Allele origin: germline. Affected: yes.
Comment: Not observed at significant frequency in large population cohorts (gnomAD); In silico analysis supports that this missense variant does not alter protein structure/function; Has not been previously published as pathogenic or benign to our knowledge

NM_005670.4(EPM2A):c.122G>T (p.Arg41Met)

Genes: EPM2A (EPM2A glucan phosphatase, laforin; minus strand), EPM2A-DT (EPM2A divergent transcript; plus strand), LOC129997381 (ATAC-STARR-seq lymphoblastoid silent region 17642; plus strand). Cytogenetic location: 6q24.3.
Variant type: single nucleotide variant.
Coding change: c.122G>T on transcript NM_005670.4 (MANE Select); coding-DNA position 122, G replaced by T.
Protein change: p.Arg41Met; replaces arginine 41 with methionine.
Molecular consequence: missense variant. On other transcripts: 5 prime UTR variant (3), intron variant (1).
Genome position (GRCh38, 1-based): chr6:145,735,377, C>A on the plus strand (G>T on the coding strand, the complement: EPM2A is on the minus strand). VCF-style: chr6-145735377-C-A. GRCh37 (hg19) VCF-style: chr6-146056513-C-A.
Other names: c.122G>T, p.Arg41Met (NM_001018041.2, NM_001360057.2, NM_001368130.1); c.-548G>T (NM_001360071.2); c.-502G>T (NM_001368129.2); c.-246G>T (NM_001368131.1); c.-114+531G>T (NM_001360064.2); short protein forms R41M.
Identifiers: ClinVar variation 2578237 (VCV002578237.1), dbSNP rs2534174433, ClinGen allele CA366188307.
Genomic context (GRCh38, chr6:145,735,377, plus strand): 5'-AGCCACAGGCCCGGCTCCTGCAGGGCCAGGGCCCCGTCGCCCGCCGCGGTGCCGGCCGGC[C>A]TCAGGCGGACGGCACCGCGCGGCTCCCAACGCCCCAGCTCGGGCCGCGACCCCACCACCA-3'
Protein context (NP_005661.1, residues 31-51): RWEPRGAVRL[Arg41Met]PAGTAAGDGA